The following is an entry in ClinVar:

ClinVar aggregate classification (germline): Uncertain significance. Review status: criteria provided, multiple submitters, no conflicts (2 of 4 stars). 2 submissions from 2 submitters: Uncertain significance (2). Last evaluated 2023-12-11.

Conditions:
Brugada syndrome. Also called: Sudden unexplained nocturnal death syndrome; Sudden unexpected nocturnal death syndrome; Sudden Unexplained Nocturnal Death Syndrome (SUNDS); Sudden Unexplained Death Syndrome. Identifiers: Orphanet 130, MedGen C1142166, MONDO:0015263.

Allele frequency attached by ClinVar (database versions not stated): TOPMed below 0.00001; gnomAD 0.00001; gnomAD exomes 0.00001.

Submissions (2):

Labcorp Genetics (formerly Invitae), Labcorp
Classification: Uncertain significance for Brugada syndrome. Last evaluated: 2023-12-11. Review status: criteria provided, single submitter. Criteria: Invitae Variant Classification Sherloc (09022015). Collection method: clinical testing. Allele origin: germline.
Comment: This sequence change replaces methionine, which is neutral and non-polar, with arginine, which is basic and polar, at codon 1373 of the SCN10A protein (p.Met1373Arg). This variant is present in population databases (no rsID available, gnomAD 0.002%). This missense change has been observed in individual(s) with atrioventricular block (PMID: 31977013). ClinVar contains an entry for this variant (Variation ID: 429470). Advanced modeling of protein sequence and biophysical properties (such as structural, functional, and spatial information, amino acid conservation, physicochemical variation, residue mobility, and thermodynamic stability) performed at Invitae indicates that this missense variant is not expected to disrupt SCN10A protein function with a negative predictive value of 80%. Experimental studies have shown that this missense change affects SCN10A function (PMID: 31977013). Algorithms developed to predict the effect of sequence changes on RNA splicing suggest that this variant may disrupt the consensus splice site. In summary, the available evidence is currently insufficient to determine the role of this variant in disease. Therefore, it has been classified as a Variant of Uncertain Significance.

GeneDx
Classification: Uncertain significance. Last evaluated: 2017-12-29. Review status: criteria provided, single submitter. Criteria: GeneDx Variant Classification (06012015). Collection method: clinical testing. Allele origin: germline. Affected: yes.
Comment: The c.4118 T>G variant in the SCN10A gene has not been reported previously as a pathogenic variant, nor as a benign variant, to our knowledge. The c.4118 T>G variant is not observed in large population cohorts (Lek et al., 2016; 1000 Genomes Consortium et al., 2015; Exome Variant Server). In-silico splice prediction models predict that c.4118 T>G may create a cryptic splice donor site in exon 23, which may supplant the natural donor site. However, in the absence of RNA/functional studies, the actual effect of the c.4118 T>G change in this individual is unknown. If c.4118 T>G does not alter splicing, it will result in the M1373R missense change. The M1373R variant is a non-conservative amino acid substitution, which is likely to impact secondary protein structure as these residues differ in polarity, charge, size and/or other properties. This substitution occurs at a position that is conserved across species, and in silico analysis predicts this variant is probably damaging to the protein structure/function. We interpret c.4118 T>G as a variant of uncertain significance.

Literature cited by the submitters: PubMed 31977013 (cited by Labcorp Genetics (formerly Invitae), Labcorp).

NM_006514.4(SCN10A):c.4118T>G (p.Met1373Arg)

Gene: SCN10A (sodium voltage-gated channel alpha subunit 10; minus strand). Cytogenetic location: 3p22.2.
Variant type: single nucleotide variant.
Coding change: c.4118T>G on transcript NM_006514.4 (MANE Select); coding-DNA position 4118, T replaced by G.
Protein change: p.Met1373Arg; replaces methionine 1373 with arginine.
Molecular consequence: missense variant.
Genome position (GRCh38, 1-based): chr3:38,710,869, A>C on the plus strand (T>G on the coding strand, the complement: SCN10A is on the minus strand). VCF-style: chr3-38710869-A-C. GRCh37 (hg19) VCF-style: chr3-38752360-A-C.
Other names: c.4115T>G, p.Met1372Arg (NM_001293306.2); c.3824T>G, p.Met1275Arg (NM_001293307.2); short protein forms M1373R, M1372R, M1275R.
Identifiers: ClinVar variation 429470 (VCV000429470.8), dbSNP rs1131691400, ClinGen allele CA352150212.